The following is an entry in ClinVar:

NM_000540.3(RYR1):c.12809_12832del (p.Ala4270_Glu4277del)

Gene: RYR1 (ryanodine receptor 1; plus strand). Cytogenetic location: 19q13.2.
Variant type: Deletion.
Coding change: c.12809_12832del on transcript NM_000540.3 (MANE Select); coding-DNA positions 12809 to 12832, 24 bases deleted (CGGGCGCGGAAGGCGCGGAGGAGG).
Protein change: p.Ala4270_Glu4277del.
Molecular consequence: inframe deletion. On other transcripts: inframe indel (1).
Genome position (GRCh38, 1-based): chr19:38,565,143-38,565,166, CGGGCGCGGAAGGCGCGGAGGAGG deleted; deleting any 24 consecutive bases within chr19:38,565,138-38,565,166 gives the same sequence; the c. name uses the placement nearest the transcript's 3' end. VCF-style (leftmost placement, unchanged base first): chr19-38565137-CGGAGGCGGGCGCGGAAGGCGCGGA-C. GRCh37 (hg19) VCF-style: chr19-39055777-CGGAGGCGGGCGCGGAAGGCGCGGA-C.
Other names: c.12809_12832del24, p.Ala4270_Glu4277del (NM_000540.2); c.12794_12817del, p.Ala4265_Glu4272del (NM_001042723.2).
Identifiers: ClinVar variation 4056918 (VCV004056918.1).

ClinVar aggregate classification (germline): Uncertain significance (1 of 4 stars; one submission).

Submission:

GeneDx
Classification: Uncertain significance. Last evaluated: 2025-01-07. Review status: criteria provided, single submitter. Criteria: GeneDx Variant Classification Process June 2021. Collection method: clinical testing. Allele origin: germline. Affected: yes.
Comment: Not observed at significant frequency in large population cohorts (gnomAD); In-frame deletion of 8 amino acids in a non-repeat region; Has not been previously published as pathogenic or benign to our knowledge